The following is an entry in ClinVar:

NM_001927.4(DES):c.299A>C (p.Glu100Ala)

Gene: DES (desmin; plus strand). Cytogenetic location: 2q35.
Variant type: single nucleotide variant.
Coding change: c.299A>C on transcript NM_001927.4 (MANE Select); coding-DNA position 299, A replaced by C.
Protein change: p.Glu100Ala; replaces glutamic acid 100 with alanine.
Molecular consequence: missense variant.
Genome position (GRCh38, 1-based): chr2:219,418,761, A>C. VCF-style: chr2-219418761-A-C. GRCh37 (hg19) VCF-style: chr2-220283483-A-C.
Other names: p.E100A:GAG>GCG; c.299A>C (LRG_380t1); short protein forms E100A.
Identifiers: ClinVar variation 201719 (VCV000201719.18), dbSNP rs762738069, ClinGen allele CA308307.
Genomic context (GRCh38, chr2:219,418,761, plus strand): 5'-CCTCCTCCTACGGCGCAGGCGAGCTGCTGGACTTCTCACTGGCCGACGCGGTGAACCAGG[A>C]GTTTCTGACCACGCGCACCAACGAGAAGGTGGAGCTGCAGGAGCTCAATGACCGCTTCGC-3'
Protein context (NP_001918.3, residues 90-110): DFSLADAVNQ[Glu100Ala]FLTTRTNEKV

ClinVar aggregate classification (germline): Conflicting classifications of pathogenicity. Review status: criteria provided, conflicting classifications (1 of 4 stars). 6 submissions from 6 submitters: Likely pathogenic (1); Uncertain significance (5). Last evaluated 2026-01-18.

Conditions:
Cardiovascular phenotype. Identifiers: MedGen CN230736.
Desmin-related myofibrillar myopathy (MFM1). Also called: Desmin related myopathy (former name); Desmin storage myopathy (former name); Myofibrillar myopathy 1; MYOFIBRILLAR MYOPATHY WITH ARRHYTHMOGENIC RIGHT VENTRICULAR CARDIOMYOPATHY; DESMIN-RELATED MYOPATHY WITH ARRHYTHMOGENIC RIGHT VENTRICULAR CARDIOMYOPATHY; Desminopathy. Identifiers: Orphanet 363543, Orphanet 98909, MedGen C1832370, MONDO:0011076, OMIM 601419.
Dilated cardiomyopathy 1I (CMD1I). Identifiers: Orphanet 154, MedGen C1858154, MONDO:0011482, OMIM 604765.

Allele frequency attached by ClinVar (database versions not stated): ExAC below 0.00001; gnomAD exomes 0.00001; TOPMed 0.00003; gnomAD 0.00006.
gnomAD v4.1: 23 of 1,562,532 alleles (0.0015%); highest among the groups gnomAD compares: Non-Finnish European, 0.0019%; no homozygotes.

Submissions (6):

Labcorp Genetics (formerly Invitae), Labcorp
Classification: Uncertain significance for Desmin-related myofibrillar myopathy. Last evaluated: 2026-01-18. Review status: criteria provided, single submitter. Criteria: Invitae Variant Classification Sherloc (09022015). Collection method: clinical testing. Allele origin: germline.
Comment: This sequence change replaces glutamic acid, which is acidic and polar, with alanine, which is neutral and non-polar, at codon 100 of the DES protein (p.Glu100Ala). This variant is present in population databases (rs762738069, gnomAD 0.006%). This variant has not been reported in the literature in individuals affected with DES-related conditions. ClinVar contains an entry for this variant (Variation ID: 201719). Invitae Evidence Modeling of protein sequence and biophysical properties (such as structural, functional, and spatial information, amino acid conservation, physicochemical variation, residue mobility, and thermodynamic stability) has been performed for this missense variant. However, the output from this modeling did not meet the statistical confidence thresholds required to predict the impact of this variant on DES protein function. In summary, the available evidence is currently insufficient to determine the role of this variant in disease. Therefore, it has been classified as a Variant of Uncertain Significance.

GeneDx
Classification: Uncertain significance. Last evaluated: 2025-12-22. Review status: criteria provided, single submitter. Criteria: GeneDx Variant Classification Process June 2021. Collection method: clinical testing. Allele origin: germline. Affected: yes.
Comment: Not observed at significant frequency in large population cohorts (gnomAD); In silico analysis supports that this missense variant has a deleterious effect on protein structure/function; Has not been previously published as pathogenic or benign to our knowledge; This variant is associated with the following publications: (PMID: 26807690)

Institute of Human Genetics Munich, TUM University Hospital
Classification: Likely pathogenic for Dilated cardiomyopathy 1I. Last evaluated: 2024-06-21. Review status: criteria provided, single submitter. Criteria: Classification criteria August 2017. Collection method: clinical testing. Allele origin: germline. Inheritance: Autosomal dominant inheritance. Affected: yes. Observed: 1 variant allele.

Ambry Genetics
Classification: Uncertain significance for Cardiovascular phenotype. Last evaluated: 2023-12-30. Review status: criteria provided, single submitter. Criteria: Ambry Variant Classification Scheme 2023. Collection method: clinical testing. Allele origin: germline.
Comment: The p.E100A variant (also known as c.299A>C), located in coding exon 1 of the DES gene, results from an A to C substitution at nucleotide position 299. The glutamic acid at codon 100 is replaced by alanine, an amino acid with dissimilar properties. This amino acid position is not well conserved in available vertebrate species. In addition, the in silico prediction for this alteration is inconclusive. Since supporting evidence is limited at this time, the clinical significance of this alteration remains unclear.

AiLife Diagnostics
Classification: Uncertain significance. Last evaluated: 2021-08-03. Review status: criteria provided, single submitter. Criteria: ACMG Guidelines, 2015. Collection method: clinical testing. Allele origin: germline. Affected: yes. Observed: 1 variant allele.

Revvity Omics, Revvity
Classification: Uncertain significance. Last evaluated: 2021-07-13. Review status: criteria provided, single submitter. Criteria: ACMG Guidelines, 2015. Collection method: clinical testing. Allele origin: germline.